The following is an entry in ClinVar:

ClinVar aggregate classification (germline): Conflicting classifications of pathogenicity. Review status: criteria provided, conflicting classifications (1 of 4 stars). 2 submissions from 2 submitters: Uncertain significance (1); Likely benign (1). Last evaluated 2025-03-03.

Conditions:
Inborn genetic diseases. Identifiers: MedGen C0950123, MeSH D030342.

Allele frequency attached by ClinVar (database versions not stated): TOPMed below 0.00001; gnomAD 0.00001.
gnomAD v4.1: 1 of 1,614,128 alleles (0.000062%); highest among the groups gnomAD compares: Non-Finnish European, 0.000085%; no homozygotes.

Submissions (2):

Ambry Genetics
Classification: Likely benign for Inborn genetic diseases. Last evaluated: 2025-03-03. Review status: criteria provided, single submitter. Criteria: Ambry Variant Classification Scheme 2023. Collection method: clinical testing. Allele origin: germline.

GeneDx
Classification: Uncertain significance. Last evaluated: 2023-05-17. Review status: criteria provided, single submitter. Criteria: GeneDx Variant Classification Process June 2021. Collection method: clinical testing. Allele origin: germline. Affected: yes.
Comment: In silico analysis supports that this variant does not alter splicing; Has not been previously published as pathogenic or benign to our knowledge

NM_015338.6(ASXL1):c.3801T>C (p.Thr1267=)

Gene: ASXL1 (ASXL transcriptional regulator 1; plus strand). Cytogenetic location: 20q11.21.
Variant type: single nucleotide variant.
Coding change: c.3801T>C on transcript NM_015338.6 (MANE Select); coding-DNA position 3801, T replaced by C.
Protein change: p.Thr1267=; no amino-acid change (threonine 1267 retained).
Molecular consequence: synonymous variant.
Genome position (GRCh38, 1-based): chr20:32,436,513, T>C. VCF-style: chr20-32436513-T-C. GRCh37 (hg19) VCF-style: chr20-31024316-T-C.
Other names: c.3618T>C, p.Thr1206= (NM_001363734.1).
Identifiers: ClinVar variation 2662366 (VCV002662366.2), dbSNP rs1182909497, ClinGen allele CA510467381.